The following is an entry in ClinVar:

NM_000349.3(STAR):c.549_550delinsA (p.Asp183fs)

Gene: STAR (steroidogenic acute regulatory protein; minus strand). Cytogenetic location: 8p11.23.
Variant type: Indel.
Coding change: c.549_550delinsA on transcript NM_000349.3 (MANE Select); coding-DNA positions 549 to 550, CT replaced by A.
Protein change: p.Asp183fs; shifts the reading frame from aspartic acid 183.
Molecular consequence: frameshift variant.
Genome position (GRCh38, 1-based): chr8:38,146,063-38,146,064, AG replaced by T on the plus strand (CT replaced by A on the coding strand, the reverse complement: STAR is on the minus strand). VCF-style: chr8-38146063-AG-T. GRCh37 (hg19) VCF-style: chr8-38003581-AG-T.
Other names: short protein forms D183fs.
Identifiers: ClinVar variation 4818223 (VCV004818223.1).

ClinVar aggregate classification (germline): Likely pathogenic (1 of 4 stars; one submission).

Conditions:
Congenital lipoid adrenal hyperplasia due to STAR deficency. Also called: ADRENAL HYPERPLASIA I; Congenital Lipoid Adrenal Hyperplasia; Lipoid adrenal hyperplasia; Cholesterol monooxygenase (side-chain cleaving) deficiency. Identifiers: Orphanet 418, Orphanet 90790, MedGen C0342474, MONDO:0008725, OMIM 201710.

Submission:

Natera, Inc.
Classification: Likely pathogenic for Congenital lipoid adrenal hyperplasia. Last evaluated: 2025-10-13. Review status: criteria provided, single submitter. Criteria: Natera Variant Classification Schema (03/2026). Collection method: clinical testing. Allele origin: germline.
Comment: The c.549_550delinsA variant in STAR is a frameshift variant predicted to shift the reading frame beginning at codon 183 and leads to a stop codon 3 codons downstream. This variant is expected to result in nonsense mediated decay, truncation, or a dysfunctional protein product. This variant is rare in the general population with a frequency below the threshold expected for the associated phenotype(s). Given the available evidence, this variant is classified as Likely Pathogenic.